The following is an entry in ClinVar:

NM_002206.3(ITGA7):c.2195C>T (p.Ala732Val)

Genes: ITGA7 (integrin subunit alpha 7; minus strand), LOC126861535 (CDK7 strongly-dependent group 2 enhancer GRCh37_chr12:56087579-56088778; plus strand). Cytogenetic location: 12q13.2.
Variant type: single nucleotide variant.
Coding change: c.2195C>T on transcript NM_002206.3 (MANE Select); coding-DNA position 2195, C replaced by T.
Protein change: p.Ala732Val; replaces alanine 732 with valine.
Molecular consequence: missense variant.
Genome position (GRCh38, 1-based): chr12:55,694,779, G>A on the plus strand (C>T on the coding strand, the complement: ITGA7 is on the minus strand). VCF-style: chr12-55694779-G-A. GRCh37 (hg19) VCF-style: chr12-56088563-G-A.
Other names: c.2207C>T, p.Ala736Val (NM_001144996.2); c.1916C>T, p.Ala639Val (NM_001144997.2); c.1868C>T, p.Ala623Val (NM_001367993.1); c.851C>T, p.Ala284Val (NM_001367994.1); c.2177C>T, p.Ala726Val (NM_001374465.1); c.2327C>T, p.Ala776Val (NM_001410977.1); c.2189C>T, p.Ala730Val (NM_001414029.1); c.2120C>T, p.Ala707Val (NM_001414030.1); and 4 more; short protein forms A732V, A726V, A284V, A623V, A639V, A736V, A776V, A692V.
Identifiers: ClinVar variation 848916 (VCV000848916.7), dbSNP rs368879643, ClinGen allele CA6615723.

ClinVar aggregate classification (germline): Uncertain significance (1 of 4 stars; one submission).

Conditions:
Congenital muscular dystrophy due to integrin alpha-7 deficiency. Also called: MYOPATHY, CONGENITAL, DUE TO INTEGRIN ALPHA-7 DEFICIENCY; Congenital muscular dystrophy with integrin alpha-7 deficiency; Muscular dystrophy, congenital, due to ITGA7 deficiency. Identifiers: Orphanet 34520, MedGen C2750786, MONDO:0013177, OMIM 613204.

Allele frequency attached by ClinVar (database versions not stated): gnomAD 0.00002 and 0.00003; gnomAD exomes 0.00002 and 0.00003; TOPMed 0.00002; ExAC 0.00004; 1000 Genomes Project 30x 0.00031; 1000 Genomes Project 0.00040.
gnomAD v4.1: 33 of 1,613,068 alleles (0.002%); highest among the groups gnomAD compares: South Asian, 0.0055%; no homozygotes.

Submission:

Labcorp Genetics (formerly Invitae), Labcorp
Classification: Uncertain significance for Congenital muscular dystrophy due to integrin alpha-7 deficiency. Last evaluated: 2022-10-31. Review status: criteria provided, single submitter. Criteria: Invitae Variant Classification Sherloc (09022015). Collection method: clinical testing. Allele origin: germline.
Comment: This sequence change replaces alanine, which is neutral and non-polar, with valine, which is neutral and non-polar, at codon 732 of the ITGA7 protein (p.Ala732Val). This variant is present in population databases (rs368879643, gnomAD 0.01%). This variant has not been reported in the literature in individuals affected with ITGA7-related conditions. ClinVar contains an entry for this variant (Variation ID: 848916). Algorithms developed to predict the effect of missense changes on protein structure and function output the following: SIFT: "Tolerated"; PolyPhen-2: "Benign"; Align-GVGD: "Class C0". The valine amino acid residue is found in multiple mammalian species, which suggests that this missense change does not adversely affect protein function. In summary, the available evidence is currently insufficient to determine the role of this variant in disease. Therefore, it has been classified as a Variant of Uncertain Significance.